The following is an entry in ClinVar:

ClinVar aggregate classification (germline): Uncertain significance. Review status: criteria provided, multiple submitters, no conflicts (2 of 4 stars). 2 submissions from 2 submitters: Uncertain significance (2). Last evaluated 2025-08-29.

gnomAD v4.1: 1 of 1,614,118 alleles (0.000062%); highest among the groups gnomAD compares: African/African-American, 0.0013%; no homozygotes.

Submissions (2):

Ambry Genetics
Classification: Uncertain significance. Last evaluated: 2025-08-29. Review status: criteria provided, single submitter. Criteria: Ambry Variant Classification Scheme 2023. Collection method: clinical testing. Allele origin: germline.

Labcorp Genetics (formerly Invitae), Labcorp
Classification: Uncertain significance. Last evaluated: 2025-03-18. Review status: criteria provided, single submitter. Criteria: Invitae Variant Classification Sherloc (09022015). Collection method: clinical testing. Allele origin: germline.
Comment: This sequence change replaces lysine, which is basic and polar, with glutamic acid, which is acidic and polar, at codon 75 of the HMCN1 protein (p.Lys75Glu). This variant is not present in population databases (gnomAD no frequency). This variant has not been reported in the literature in individuals affected with HMCN1-related conditions. An algorithm developed to predict the effect of missense changes on protein structure and function (PolyPhen-2) suggests that this variant is likely to be disruptive. In summary, the available evidence is currently insufficient to determine the role of this variant in disease. Therefore, it has been classified as a Variant of Uncertain Significance.

NM_031935.3(HMCN1):c.223A>G (p.Lys75Glu)

Gene: HMCN1 (hemicentin 1; plus strand). Cytogenetic location: 1q25.3.
Variant type: single nucleotide variant.
Coding change: c.223A>G on transcript NM_031935.3 (MANE Select); coding-DNA position 223, A replaced by G.
Protein change: p.Lys75Glu; replaces lysine 75 with glutamic acid.
Molecular consequence: missense variant.
Genome position (GRCh38, 1-based): chr1:185,735,002, A>G. VCF-style: chr1-185735002-A-G. GRCh37 (hg19) VCF-style: chr1-185704134-A-G.
Other names: short protein forms K75E.
Identifiers: ClinVar variation 4271250 (VCV004271250.2).